The following is an entry in ClinVar:

ClinVar aggregate classification (germline): Uncertain significance. Review status: criteria provided, multiple submitters, no conflicts (2 of 4 stars). 2 submissions from 2 submitters: Uncertain significance (2). Last evaluated 2021-07-22.

Conditions:
Dilated cardiomyopathy 1G (CMD1G). Identifiers: Orphanet 154, MedGen C1858763, MONDO:0011400, OMIM 604145.
Autosomal recessive limb-girdle muscular dystrophy type 2J (LGMDR10). Also called: Limb-girdle muscular dystrophy, type 2J; MUSCULAR DYSTROPHY, LIMB-GIRDLE, AUTOSOMAL RECESSIVE 10. Identifiers: Orphanet 140922, MedGen C1837342, MONDO:0012127, OMIM 608807.
Cardiovascular phenotype. Identifiers: MedGen CN230736.

Allele frequency attached by ClinVar (database versions not stated): gnomAD exomes below 0.00001; TOPMed below 0.00001; ESP Exome Variant Server 0.00008.
gnomAD v4.1: 3 of 1,605,222 alleles (0.00019%); highest among the groups gnomAD compares: Non-Finnish European, 0.00025%; no homozygotes.

Submissions (2):

Ambry Genetics
Classification: Uncertain significance for Cardiovascular phenotype. Last evaluated: 2021-07-22. Review status: criteria provided, single submitter. Criteria: Ambry Variant Classification Scheme 2023. Collection method: clinical testing. Allele origin: germline.
Comment: The c.29916+3A>G intronic variant results from an A to G substitution 3 nucleotides after coding exon 119 in the TTN gene. This nucleotide position is well conserved in available vertebrate species. In silico splice site analysis predicts that this alteration will not have any significant effect on splicing. Since supporting evidence is limited at this time, the clinical significance of this alteration remains unclear.

Labcorp Genetics (formerly Invitae), Labcorp
Classification: Uncertain significance for Dilated cardiomyopathy 1G; Autosomal recessive limb-girdle muscular dystrophy type 2J. Last evaluated: 2019-03-04. Review status: criteria provided, single submitter. Criteria: Invitae Variant Classification Sherloc (09022015). Collection method: clinical testing. Allele origin: germline.
Comment: This sequence change falls in intron 292 of the TTN gene. It does not directly change the encoded amino acid sequence of the TTN protein, but it affects a nucleotide within the consensus splice site of the intron. This variant is not present in population databases (ExAC no frequency). This variant has not been reported in the literature in individuals with TTN-related conditions. Nucleotide substitutions within the consensus splice site are a relatively common cause of aberrant splicing (PMID: 17576681, 9536098). Algorithms developed to predict the effect of sequence changes on RNA splicing suggest that this variant may disrupt the consensus splice site, but this prediction has not been confirmed by published transcriptional studies. In summary, the available evidence is currently insufficient to determine the role of this variant in disease. Therefore, it has been classified as a Variant of Uncertain Significance. This variant is located in the A band of TTN (PMID: 25589632). Variants in this region may be relevant for cardiac or neuromuscular disorders (PMID: 25589632, 23975875).

Literature cited by the submitters: PubMed 17576681 (cited by Labcorp Genetics (formerly Invitae), Labcorp); PubMed 9536098 (cited by Labcorp Genetics (formerly Invitae), Labcorp); PubMed 25589632 (cited by Labcorp Genetics (formerly Invitae), Labcorp); PubMed 23975875 (cited by Labcorp Genetics (formerly Invitae), Labcorp).

NM_001267550.2(TTN):c.57111+3A>G

Genes: TTN (titin; minus strand), TTN-AS1 (TTN antisense RNA 1; plus strand). Cytogenetic location: 2q31.2.
Variant type: single nucleotide variant.
Coding change: c.57111+3A>G on transcript NM_001267550.2 (MANE Select); 3 bases into the intron after coding-DNA position 57111, A replaced by G.
Molecular consequence: intron variant.
Genome position (GRCh38, 1-based): chr2:178,598,503, T>C on the plus strand (A>G on the coding strand, the complement: TTN is on the minus strand). VCF-style: chr2-178598503-T-C. GRCh37 (hg19) VCF-style: chr2-179463230-T-C.
Other names: c.29916+3A>G (NM_003319.4); c.30492+3A>G (NM_133437.4); c.30291+3A>G (NM_133432.3); c.49407+3A>G (NM_133378.4); c.52188+3A>G (NM_001256850.1).
Identifiers: ClinVar variation 838512 (VCV000838512.12), dbSNP rs374844230, ClinGen allele CA60974892.